The following is an entry in ClinVar:

NM_003128.3(SPTBN1):c.5482C>G (p.Leu1828Val)

Gene: SPTBN1 (spectrin beta, non-erythrocytic 1; plus strand). Cytogenetic location: 2p16.2.
Variant type: single nucleotide variant.
Coding change: c.5482C>G on transcript NM_003128.3 (MANE Select); coding-DNA position 5482, C replaced by G.
Protein change: p.Leu1828Val; replaces leucine 1828 with valine.
Molecular consequence: missense variant.
Genome position (GRCh38, 1-based): chr2:54,649,894, C>G. VCF-style: chr2-54649894-C-G. GRCh37 (hg19) VCF-style: chr2-54877031-C-G.
Other names: c.5443C>G, p.Leu1815Val (NM_178313.3); short protein forms L1815V, L1828V.
Identifiers: ClinVar variation 5037016 (VCV005037016.1).
Genomic context (GRCh38, chr2:54,649,894, plus strand): 5'-CACAAGTTTTACCACGATGCCAAGGAGATCTTTGGGCGTATACAGGACAAACACAAGAAA[C>G]TCCCTGAGGAGCTTGGGAGAGATCAGAACACAGTGGAGACCTTACAGAGAATGCACACTA-3'
Protein context (NP_003119.2, residues 1818-1838): FGRIQDKHKK[Leu1828Val]PEELGRDQNT

ClinVar aggregate classification (germline): Uncertain significance (1 of 4 stars; one submission).

Submission:

GeneDx
Classification: Uncertain significance. Last evaluated: 2026-04-09. Review status: criteria provided, single submitter. Criteria: GeneDx Variant Classification Process June 2021. Collection method: clinical testing. Allele origin: germline.
Comment: Not observed at significant frequency in large population cohorts (gnomAD); In silico analysis suggests that this missense variant does not alter protein structure/function; Has not been previously published as pathogenic or benign to our knowledge